The following is an entry in ClinVar:

NM_001017979.3(RAB28):c.538A>C (p.Ile180Leu)

Gene: RAB28 (RAB28, member RAS oncogene family; minus strand). Cytogenetic location: 4p15.33.
Variant type: single nucleotide variant.
Coding change: c.538A>C on transcript NM_001017979.3 (MANE Select); coding-DNA position 538, A replaced by C.
Protein change: p.Ile180Leu; replaces isoleucine 180 with leucine.
Molecular consequence: missense variant.
Genome position (GRCh38, 1-based): chr4:13,376,580, T>G on the plus strand (A>C on the coding strand, the complement: RAB28 is on the minus strand). VCF-style: chr4-13376580-T-G. GRCh37 (hg19) VCF-style: chr4-13378204-T-G.
Other names: c.538A>C (NM_001017979.2); c.538A>C, p.Ile180Leu (NM_001159601.2, NM_004249.4); short protein forms I180L.
Identifiers: ClinVar variation 1463919 (VCV001463919.9), dbSNP rs370204289, ClinGen allele CA2860040.

ClinVar aggregate classification (germline): Uncertain significance. Review status: criteria provided, multiple submitters, no conflicts (2 of 4 stars). 2 submissions from 2 submitters: Uncertain significance (2). Last evaluated 2023-08-04.

Allele frequency attached by ClinVar (database versions not stated): gnomAD exomes below 0.00001; ExAC 0.00001; gnomAD 0.00002; TOPMed 0.00002; ESP Exome Variant Server 0.00008.
gnomAD v4.1: 5 of 1,603,946 alleles (0.00031%); highest among the groups gnomAD compares: African/African-American, 0.0067%; no homozygotes.

Submissions (2):

Labcorp Genetics (formerly Invitae), Labcorp
Classification: Uncertain significance. Last evaluated: 2023-08-04. Review status: criteria provided, single submitter. Criteria: Invitae Variant Classification Sherloc (09022015). Collection method: clinical testing. Allele origin: germline.
Comment: In summary, the available evidence is currently insufficient to determine the role of this variant in disease. Therefore, it has been classified as a Variant of Uncertain Significance. An algorithm developed to predict the effect of missense changes on protein structure and function (PolyPhen-2) suggests that this variant is likely to be tolerated. ClinVar contains an entry for this variant (Variation ID: 1463919). This variant has not been reported in the literature in individuals affected with RAB28-related conditions. This variant is present in population databases (rs370204289, gnomAD 0.02%). This sequence change replaces isoleucine, which is neutral and non-polar, with leucine, which is neutral and non-polar, at codon 180 of the RAB28 protein (p.Ile180Leu).

Ambry Genetics
Classification: Uncertain significance. Last evaluated: 2022-05-27. Review status: criteria provided, single submitter. Criteria: Ambry Variant Classification Scheme 2023. Collection method: clinical testing. Allele origin: germline.